The following is an entry in ClinVar:

NM_000352.6(ABCC8):c.1926C>T (p.Pro642=)

Gene: ABCC8 (ATP binding cassette subfamily C member 8; minus strand). Cytogenetic location: 11p15.1.
Variant type: single nucleotide variant.
Coding change: c.1926C>T on transcript NM_000352.6 (MANE Select); coding-DNA position 1926, C replaced by T.
Protein change: p.Pro642=; no amino-acid change (proline 642 retained).
Molecular consequence: synonymous variant. On other transcripts: non-coding transcript variant (1).
Genome position (GRCh38, 1-based): chr11:17,428,403, G>A on the plus strand (C>T on the coding strand, the complement: ABCC8 is on the minus strand). VCF-style: chr11-17428403-G-A. GRCh37 (hg19) VCF-style: chr11-17449950-G-A.
Other names: c.1926C>T, p.Pro642= (NM_001287174.3); c.1992C>T, p.Pro664= (NM_001351295.2); c.1923C>T, p.Pro641= (NM_001351296.2, NM_001351297.2).
Identifiers: ClinVar variation 1084912 (VCV001084912.10), dbSNP rs75376282, ClinGen allele CA473516210.

ClinVar aggregate classification (germline): Conflicting classifications of pathogenicity. Review status: criteria provided, conflicting classifications (1 of 4 stars). 2 submissions from 2 submitters: Uncertain significance (1); Likely benign (1). Last evaluated 2026-02-25.

Submissions (2):

Women's Health and Genetics/Laboratory Corporation of America, LabCorp
Classification: Uncertain significance. Last evaluated: 2026-02-25. Review status: criteria provided, single submitter. Criteria: LabCorp Variant Classification Summary - May 2015. Collection method: clinical testing. Allele origin: germline.
Comment: Variant summary: ABCC8 c.1926C>T (p.Pro642Pro) alters a conserved nucleotide located close to a canonical splice site and therefore could affect mRNA splicing, leading to a significantly altered protein sequence. Consensus agreement among computation tools predict no significant impact on normal splicing. However, these predictions have yet to be confirmed by functional studies. The variant was absent in 250404 control chromosomes. The available data on variant occurrences in the general population are insufficient to allow any conclusion about variant significance. To our knowledge, no occurrence of c.1926C>T in individuals affected with ABCC8-related conditions and no experimental evidence demonstrating its impact on protein function have been reported. ClinVar contains an entry for this variant (Variation ID: 1084912). Based on the evidence outlined above, the variant was classified as uncertain significance.

Labcorp Genetics (formerly Invitae), Labcorp
Classification: Likely benign. Last evaluated: 2021-01-15. Review status: criteria provided, single submitter. Criteria: Invitae Variant Classification Sherloc (09022015). Collection method: clinical testing. Allele origin: germline.